The following is an entry in ClinVar:

NM_199355.4(ADAMTS18):c.2618G>C (p.Arg873Thr)

Gene: ADAMTS18 (ADAM metallopeptidase with thrombospondin type 1 motif 18; minus strand). Cytogenetic location: 16q23.1.
Variant type: single nucleotide variant.
Coding change: c.2618G>C on transcript NM_199355.4 (MANE Select); coding-DNA position 2618, G replaced by C.
Protein change: p.Arg873Thr; replaces arginine 873 with threonine.
Molecular consequence: missense variant.
Genome position (GRCh38, 1-based): chr16:77,300,319, C>G on the plus strand (G>C on the coding strand, the complement: ADAMTS18 is on the minus strand). VCF-style: chr16-77300319-C-G. GRCh37 (hg19) VCF-style: chr16-77334216-C-G.
Other names: c.2102G>C, p.Arg701Thr (NM_001326358.2); c.2618G>C (NM_199355.3, NM_199355.2); short protein forms R701T, R873T.
Identifiers: ClinVar variation 1124571 (VCV001124571.12), dbSNP rs141026455, ClinGen allele CA8180816.

ClinVar aggregate classification (germline): Conflicting classifications of pathogenicity. Review status: criteria provided, conflicting classifications (1 of 4 stars). 4 submissions from 4 submitters: Uncertain significance (1); Likely benign (2). 1 of the submissions does not count toward it. Last evaluated 2025-12-15.

Conditions:
ADAMTS18-related disorder. Also called: ADAMTS18-related condition.
Inborn genetic diseases. Identifiers: MedGen C0950123, MeSH D030342.

Allele frequency attached by ClinVar (database versions not stated): gnomAD exomes 0.00024; 1000 Genomes Project 30x 0.00062; ExAC 0.00073; 1000 Genomes Project 0.00399.
gnomAD v4.1: 261 of 1,614,058 alleles (0.016%); highest among the groups gnomAD compares: African/African-American, 0.29%; no homozygotes.

Submissions (4):

Labcorp Genetics (formerly Invitae), Labcorp
Classification: Likely benign. Last evaluated: 2025-12-15. Review status: criteria provided, single submitter. Criteria: Invitae Variant Classification Sherloc (09022015). Collection method: clinical testing. Allele origin: germline.

Ambry Genetics
Classification: Uncertain significance for Inborn genetic diseases. Last evaluated: 2024-10-21. Review status: criteria provided, single submitter. Criteria: Ambry Variant Classification Scheme 2023. Collection method: clinical testing. Allele origin: germline.

Blueprint Genetics
Classification: Likely benign. Last evaluated: 2024-09-07. Review status: criteria provided, single submitter. Criteria: ACMG Guidelines, 2015. Collection method: clinical testing. Allele origin: germline.

PreventionGenetics, part of Exact Sciences
Classification: Likely benign for ADAMTS18-related condition. Last evaluated: 2024-05-24. Review status: no assertion criteria provided. Collection method: clinical testing. Allele origin: germline. Not counted in ClinVar's aggregate classification.
Comment: This variant is classified as likely benign based on ACMG/AMP sequence variant interpretation guidelines (Richards et al. 2015 PMID: 25741868, with internal and published modifications).